The following is an entry in ClinVar:

NM_198428.3(BBS9):c.678del (p.Lys226fs)

Gene: BBS9 (Bardet-Biedl syndrome 9; plus strand). Cytogenetic location: 7p14.3.
Variant type: Deletion.
Coding change: c.678del on transcript NM_198428.3 (MANE Select); coding-DNA position 678, one base deleted (A; older notation c.678delA).
Protein change: p.Lys226fs; shifts the reading frame from lysine 226.
Molecular consequence: frameshift variant. On other transcripts: non-coding transcript variant (3).
Genome position (GRCh38, 1-based): chr7:33,264,350, A deleted; the last of 5 consecutive A bases (chr7:33,264,346-33,264,350); deleting any one gives the same sequence. VCF-style (leftmost placement, unchanged base first): chr7-33264345-CA-C. GRCh37 (hg19) VCF-style: chr7-33303957-CA-C.
Other names: c.678del, p.Lys226fs (NM_001033604.2, NM_001033605.2, NM_001348036.1 and 5 more transcripts); c.312del, p.Lys104fs (NM_001348037.3, NM_001348044.3, NM_001348045.3 and 1 more transcripts); c.405del, p.Lys135fs (NM_001348038.3, NM_001348039.3); c.543del, p.Lys181fs (NM_001348042.3); short protein forms K135fs, K104fs, K181fs, K226fs.
Identifiers: ClinVar variation 5002076 (VCV005002076.1).

ClinVar aggregate classification (germline): Likely pathogenic (1 of 4 stars; one submission).

Conditions:
BBS9-related disorder. Also called: BBS9-related condition.

Submission:

PreventionGenetics, part of Exact Sciences
Classification: Likely pathogenic for BBS9-related condition. Last evaluated: 2024-11-27. Review status: criteria provided, single submitter. Criteria: ACMG Guidelines, 2015. Collection method: clinical testing. Allele origin: germline.
Comment: The BBS9 c.678delA variant is predicted to result in a frameshift and premature protein termination (p.Lys226Asnfs*8). To our knowledge, this variant has not been reported in the literature or in a large population database (gnomAD), indicating this variant is rare. Frameshift variants in BBS9 are expected to be pathogenic. This variant is interpreted as likely pathogenic.